The following is an entry in ClinVar:

ClinVar aggregate classification (germline): Uncertain significance (1 of 4 stars; one submission).

Submission:

Labcorp Genetics (formerly Invitae), Labcorp
Classification: Uncertain significance. Last evaluated: 2022-05-24. Review status: criteria provided, single submitter. Criteria: Invitae Variant Classification Sherloc (09022015). Collection method: clinical testing. Allele origin: germline.
Comment: In summary, the available evidence is currently insufficient to determine the role of this variant in disease. Therefore, it has been classified as a Variant of Uncertain Significance. Experimental studies and prediction algorithms are not available or were not evaluated, and the functional significance of this variant is currently unknown. This variant has not been reported in the literature in individuals affected with SLC36A2-related conditions. This variant results in a copy number gain of the genomic region encompassing exon(s) 8 of the SLC36A2 gene. While the exact position of this variant cannot be determined from the data, sub-genic copy number gains are generally in tandem (PMID: 25640679). This variant is predicted to be out-of-frame, and may result in an absent or disrupted protein product. However, the current clinical and genetic evidence is not sufficient to establish whether loss-of-function variants in SLC36A2 cause disease.

Literature cited by the submitters: PubMed 25640679.

NC_000005.9:g.(?_150704827)_(150705033_?)dup

Gene: SLC36A2 (solute carrier family 36 member 2; minus strand). Cytogenetic location: 5q33.1.
Variant type: Duplication.
Identifiers: ClinVar variation 2427579 (VCV002427579.4).